The following is an entry in ClinVar:

NM_000203.5(IDUA):c.141GAG[1] (p.Arg48del)

Genes: IDUA (alpha-L-iduronidase; plus strand), SLC26A1 (solute carrier family 26 member 1; minus strand). Cytogenetic location: 4p16.3.
Variant type: Microsatellite.
Coding change: c.141GAG[1] on transcript NM_000203.5 (MANE Select); one copy of the 3-base unit GAG starting at c.141; the reference has two copies in a row; one copy, 3 bases deleted.
Protein change: p.Arg48del; deletes arginine 48.
Molecular consequence: inframe deletion. On other transcripts: non-coding transcript variant (1), intron variant (1).
Genome position (GRCh38, 1-based): chr4:987,228-987,230, GAG deleted; deleting any 3 consecutive bases within chr4:987,224-987,230 gives the same sequence; the position shown is the placement nearest the transcript's 3' end. VCF-style (leftmost placement, unchanged base first): chr4-987223-TGGA-T. GRCh37 (hg19) VCF-style: chr4-981011-TGGA-T.
Other names: NM_134425.4:c.576+3902_576+3904del; c.576+3902_576+3904del (NM_134425.4); short protein forms R48del.
Identifiers: ClinVar variation 1518010 (VCV001518010.10), dbSNP rs1713799705, ClinGen allele CA1433050681.

ClinVar aggregate classification (germline): Likely pathogenic. Review status: reviewed by expert panel (3 of 4 stars). 3 submissions from 3 submitters: Likely pathogenic (1). 2 of the submissions do not count toward it. Last evaluated 2025-05-04.

Conditions:
Mucopolysaccharidosis type 1. Also called: IDUA deficiency; MPS I; Mucopolysaccharidosis Type I. Identifiers: Orphanet 579, MedGen C0023786, MONDO:0001586.

Submissions (3):

ClinGen Lysosomal Storage Disorder Variant Curation Expert Panel
Classification: Likely pathogenic for Mucopolysaccharidosis type 1. Last evaluated: 2025-05-04. Review status: reviewed by expert panel. Criteria: ClinGen LSD ACMG Specifications IDUA V1.0.0. Collection method: curation. Allele origin: germline. Inheritance: Autosomal recessive inheritance.
Comment: The NM_000203.5:c.144_146del variant is predicted to cause a change in the length of the protein (p.Arg48del) due to an in-frame deletion of one amino acid in a non-repeat region (PM4_Supporting). This variant has been detected in four probands and one sibling with clinical features and diagnosis of MPS I. At least three patients with this variant had documented deficient IDUA activity, one patient had documented enzyme replacement therapies with the stabilized reduction in urine GAGs, and one patient had documented hematopoietic cell transplantation (PMID: 12559846, 27896125, 29976218, DOI 10.46531/sinapse/CC/210086/2022) (PP4). All four probands were compound heterozygous for the variant and another variant in IDUA that has been classified as pathogenic by the ClinGen LD VCEP, including two individuals with c.1205G>A (p.Trp402Ter) (ClinVar Variation ID: 11908) (PMID: 12559846, DOI: DOI 10.46531/sinapse/CC/210086/2022; 1 point), one proband and a sibling with p.Glu404Ter (ClinVar Variation ID: 552095) (PMID: 27896125; 0.5 point), and one individual with p.Pro533Arg (ClinVar Variation ID: 11910) (PMID: 29976218; 0.5 point). (PM3_Strong, 2 points). The highest population minor allele frequency in gnomAD v4.1.0 is 8.828e-7 (1/1132742 alleles) in the European (non-Finnish) population, which is lower than the ClinGen Lysosomal Diseases VCEP’s threshold for PM2_Supporting (<0.00025), meeting this criterion (PM2_Supporting). Expression of the variant in CHO-K1 cells resulted in 0.92% (<2%) wild-type IDUA activity and evidence of abnormal IDUA processing, indicating that this variant may impact protein function (PMID: 12559846) (PS3_Supporting). The in silico predictor MutPredIndel gave a score of 0.74519. This is above the threshold of 0.5, suggesting that the variant may impact IDUA function (PP3). There is a ClinVar entry for this variant (Variation ID: 1518010). In summary, this variant meets the criteria to be classified as likely pathogenic for MPS I based on the ACMG/AMP criteria applied, as specified by the ClinGen Lysosomal Diseases Variant Curation Expert Panel (specifications Version 1.0.0): PM3_Strong, PP4, PP3, PS3_Supporting, PM2_Supporting, PM4_Supporting. (Classification approved by the ClinGen Lysosomal Diseases Variant Curation Expert Panel on May 4, 2025)

Natera, Inc.
Classification: Likely pathogenic for Mucopolysaccharidosis type I. Last evaluated: 2025-12-03. Review status: criteria provided, single submitter. Criteria: Natera Variant Classification Schema (03/2026). Collection method: clinical testing. Allele origin: germline. Not counted in ClinVar's aggregate classification.
Comment: The c.144_146delGAG variant in IDUA is an in-frame deletion predicted to remove arginine at amino acid 48 while preserving the reading frame. This variant is rare in the general population with a frequency below the threshold expected for the associated phenotype(s). This variant has been observed in one or more individuals affected with the associated recessive disease, as either homozygous or compound heterozygous with a second variant (PMID: 12559846, 27896125, 29976218, 39158768). Additionally, this variant has been observed to segregate in affected family members (PMID: 27896125). Functional studies show that this variant may disrupt protein function (PMID: 12559846). This variant results in a change to the protein length while preserving reading frame, which may disrupt normal protein structure or function. Computational prediction algorithms indicate this variant is likely to affect gene or protein function. Given the available evidence, this variant is classified as Likely Pathogenic.

Labcorp Genetics (formerly Invitae), Labcorp
Classification: Likely pathogenic for Mucopolysaccharidosis type 1. Last evaluated: 2024-03-24. Review status: criteria provided, single submitter. Criteria: Invitae Variant Classification Sherloc (09022015). Collection method: clinical testing. Allele origin: germline. Not counted in ClinVar's aggregate classification.
Comment: This variant, c.144_146del, results in the deletion of 1 amino acid(s) of the IDUA protein (p.Arg48del), but otherwise preserves the integrity of the reading frame. This variant is not present in population databases (gnomAD no frequency). This variant has been observed in individual(s) with mucopolysaccharidosis type I (MPS I) (PMID: 12559846, 27896125, 29976218). Algorithms developed to predict the effect of variants on protein structure and function are not available or were not evaluated for this variant. Experimental studies have shown that this variant affects IDUA function (PMID: 12559846). In summary, the currently available evidence indicates that the variant is pathogenic, but additional data are needed to prove that conclusively. Therefore, this variant has been classified as Likely Pathogenic.

Literature cited by the submitters: PubMed 12559846 (cited by Natera, Inc. and Labcorp Genetics (formerly Invitae), Labcorp); PubMed 27896125 (cited by Natera, Inc. and Labcorp Genetics (formerly Invitae), Labcorp); PubMed 29976218 (cited by Natera, Inc. and Labcorp Genetics (formerly Invitae), Labcorp); PubMed 39158768 (cited by Natera, Inc.).